The following is an entry in ClinVar:

NM_001099403.2(PRDM8):c.1966C>T (p.Pro656Ser)

Gene: PRDM8 (PR/SET domain 8; plus strand). Cytogenetic location: 4q21.21.
Variant type: single nucleotide variant.
Coding change: c.1966C>T on transcript NM_001099403.2 (MANE Select); coding-DNA position 1966, C replaced by T.
Protein change: p.Pro656Ser; replaces proline 656 with serine.
Molecular consequence: missense variant.
Genome position (GRCh38, 1-based): chr4:80,203,428, C>T. VCF-style: chr4-80203428-C-T. GRCh37 (hg19) VCF-style: chr4-81124582-C-T.
Other names: c.1966C>T, p.Pro656Ser (NM_020226.4); short protein forms P656S.
Identifiers: ClinVar variation 658722 (VCV000658722.3), dbSNP rs200471159, ClinGen allele CA2982492.
Genomic context (GRCh38, chr4:80,203,428, plus strand): 5'-ATGACCTCCGACCTGGTGTACCATATGAGGTCGCACCACAAAAAGGAGTATGCGATGGAG[C>T]CCTTGGTGAAGCGGCGGCGAGAGGAGAAACTCAAGTGCCCCATCTGCAATGAGTCCTTCA-3'
Protein context (NP_001092873.1, residues 646-666): SHHKKEYAME[Pro656Ser]LVKRRREEKL

ClinVar aggregate classification (germline): Uncertain significance. Review status: criteria provided, multiple submitters, no conflicts (2 of 4 stars). 2 submissions from 2 submitters: Uncertain significance (2). Last evaluated 2023-12-21.

Conditions:
Early-onset Lafora body disease. Also called: Epilepsy, progressive myoclonic, 10. Identifiers: Orphanet 324290, MedGen C4225258, MONDO:0014717, OMIM 616640.

Allele frequency attached by ClinVar (database versions not stated): gnomAD 0.00001; gnomAD exomes 0.00002 and 0.00005; TOPMed 0.00003; ExAC 0.00004.
gnomAD v4.1: 39 of 1,613,442 alleles (0.0024%); highest among the groups gnomAD compares: Non-Finnish European, 0.00042%; no homozygotes.

Submissions (2):

Ambry Genetics
Classification: Uncertain significance. Last evaluated: 2023-12-21. Review status: criteria provided, single submitter. Criteria: Ambry Variant Classification Scheme 2023. Collection method: clinical testing. Allele origin: germline.

Labcorp Genetics (formerly Invitae), Labcorp
Classification: Uncertain significance for Early-onset Lafora body disease. Last evaluated: 2021-12-09. Review status: criteria provided, single submitter. Criteria: Invitae Variant Classification Sherloc (09022015). Collection method: clinical testing. Allele origin: germline.
Comment: This sequence change replaces proline, which is neutral and non-polar, with serine, which is neutral and polar, at codon 656 of the PRDM8 protein (p.Pro656Ser). This variant is present in population databases (rs200471159, gnomAD 0.1%), and has an allele count higher than expected for a pathogenic variant. This variant has not been reported in the literature in individuals affected with PRDM8-related conditions. ClinVar contains an entry for this variant (Variation ID: 658722). Algorithms developed to predict the effect of missense changes on protein structure and function are either unavailable or do not agree on the potential impact of this missense change (SIFT: "Deleterious"; PolyPhen-2: "Benign"; Align-GVGD: "Class C0"). In summary, the available evidence is currently insufficient to determine the role of this variant in disease. Therefore, it has been classified as a Variant of Uncertain Significance.